The following is an entry in ClinVar:

ClinVar aggregate classification (germline): Uncertain significance (1 of 4 stars; one submission).

Allele frequency attached by ClinVar (database versions not stated): gnomAD exomes 0.00001.
gnomAD v4.1: 22 of 1,614,022 alleles (0.0014%); highest among the groups gnomAD compares: Middle Eastern, 0.016%; no homozygotes.

Submission:

Labcorp Genetics (formerly Invitae), Labcorp
Classification: Uncertain significance. Last evaluated: 2021-11-24. Review status: criteria provided, single submitter. Criteria: Invitae Variant Classification Sherloc (09022015). Collection method: clinical testing. Allele origin: germline.
Comment: In summary, the available evidence is currently insufficient to determine the role of this variant in disease. Therefore, it has been classified as a Variant of Uncertain Significance. Algorithms developed to predict the effect of missense changes on protein structure and function output the following: SIFT: "Tolerated"; PolyPhen-2: "Benign"; Align-GVGD: "Class C0". The alanine amino acid residue is found in multiple mammalian species, which suggests that this missense change does not adversely affect protein function. This variant has not been reported in the literature in individuals affected with LAMC3-related conditions. This variant is not present in population databases (gnomAD no frequency). This sequence change replaces threonine, which is neutral and polar, with alanine, which is neutral and non-polar, at codon 1238 of the LAMC3 protein (p.Thr1238Ala).

NM_006059.4(LAMC3):c.3712A>G (p.Thr1238Ala)

Gene: LAMC3 (laminin subunit gamma 3; plus strand). Cytogenetic location: 9q34.12.
Variant type: single nucleotide variant.
Coding change: c.3712A>G on transcript NM_006059.4 (MANE Select); coding-DNA position 3712, A replaced by G.
Protein change: p.Thr1238Ala; replaces threonine 1238 with alanine.
Molecular consequence: missense variant.
Genome position (GRCh38, 1-based): chr9:131,077,269, A>G. VCF-style: chr9-131077269-A-G. GRCh37 (hg19) VCF-style: chr9-133952656-A-G.
Other names: short protein forms T1238A.
Identifiers: ClinVar variation 1416536 (VCV001416536.6), dbSNP rs2133335594, ClinGen allele CA375261411.